The following is an entry in ClinVar:

ClinVar aggregate classification (germline): Uncertain significance (1 of 4 stars; one submission).

Conditions:
COG7 congenital disorder of glycosylation (CDG2E). Also called: CONGENITAL DISORDER OF GLYCOSYLATION, TYPE IIe; CDG IIe. Identifiers: Orphanet 79333, MedGen C2931010, MONDO:0012118, OMIM 608779.

Allele frequency attached by ClinVar (database versions not stated): ExAC 0.00001; gnomAD 0.00001; gnomAD exomes 0.00001; TOPMed 0.00001.
gnomAD v4.1: 19 of 1,614,030 alleles (0.0012%); highest among the groups gnomAD compares: East Asian, 0.0022%; no homozygotes.

Submission:

Laboratorio de Genetica e Diagnostico Molecular, Hospital Israelita Albert Einstein
Classification: Uncertain significance for COG7 congenital disorder of glycosylation. Last evaluated: 2025-07-04. Review status: criteria provided, single submitter. Criteria: ACMG Guidelines, 2015. Collection method: clinical testing. Allele origin: germline. Affected: yes.
Comment: ACMG classification criteria: PM2 supporting, PP3 supporting

NM_153603.4(COG7):c.2146G>A (p.Asp716Asn)

Gene: COG7 (component of oligomeric golgi complex 7; minus strand). Cytogenetic location: 16p12.2.
Variant type: single nucleotide variant.
Coding change: c.2146G>A on transcript NM_153603.4 (MANE Select); coding-DNA position 2146, G replaced by A.
Protein change: p.Asp716Asn; replaces aspartic acid 716 with asparagine.
Molecular consequence: missense variant.
Genome position (GRCh38, 1-based): chr16:23,392,380, C>T on the plus strand (G>A on the coding strand, the complement: COG7 is on the minus strand). VCF-style: chr16-23392380-C-T. GRCh37 (hg19) VCF-style: chr16-23403701-C-T.
Other names: short protein forms D716N.
Identifiers: ClinVar variation 4847003 (VCV004847003.1), dbSNP rs758228401.